The following is an entry in ClinVar:

NM_138694.4(PKHD1):c.5857_5858del (p.Leu1953fs)

Gene: PKHD1 (PKHD1 ciliary IPT domain containing fibrocystin/polyductin; minus strand). Cytogenetic location: 6p12.2.
Variant type: Deletion.
Coding change: c.5857_5858del on transcript NM_138694.4 (MANE Select); coding-DNA positions 5857 to 5858, 2 bases deleted (TT; older notation c.5857_5858delTT).
Protein change: p.Leu1953fs; shifts the reading frame from leucine 1953.
Molecular consequence: frameshift variant.
Genome position (GRCh38, 1-based): chr6:51,959,920-51,959,921, AA deleted on the plus strand (TT on the coding strand, the reverse complement: PKHD1 is on the minus strand). VCF-style (leftmost placement, unchanged base first): chr6-51959919-CAA-C. GRCh37 (hg19) VCF-style: chr6-51824717-CAA-C.
Other names: c.5857_5858del, p.Leu1953fs (NM_170724.3); short protein forms L1953fs.
Identifiers: ClinVar variation 3641678 (VCV003641678.2).
Genomic context (GRCh38, chr6:51,959,919, plus strand): 5'-ACTTCACACACCTTTAATGTGCAGTAAGTTGAGGATGCTTGTGTTAGTGTCCAGCAGAAG[CAA>C]TTGGCCATTCTCCACTGTGACGTTGTCGCCATCTTGTGGCAGCCTTTCAGGAAACCAGCT-3'

ClinVar aggregate classification (germline): Pathogenic (1 of 4 stars; one submission).

Conditions:
Autosomal recessive polycystic kidney disease (ARPKD). Also called: AR polycystic kidney disease. Identifiers: Orphanet 731, Orphanet 8378, MedGen C0085548, MeSH D017044, MONDO:0009889.

Submission:

Labcorp Genetics (formerly Invitae), Labcorp
Classification: Pathogenic for Autosomal recessive polycystic kidney disease. Last evaluated: 2024-02-17. Review status: criteria provided, single submitter. Criteria: Invitae Variant Classification Sherloc (09022015). Collection method: clinical testing. Allele origin: germline.
Comment: This sequence change creates a premature translational stop signal (p.Leu1953Alafs*6) in the PKHD1 gene. It is expected to result in an absent or disrupted protein product. Loss-of-function variants in PKHD1 are known to be pathogenic (PMID: 19940839). This variant is not present in population databases (gnomAD no frequency). This variant has not been reported in the literature in individuals affected with PKHD1-related conditions. For these reasons, this variant has been classified as Pathogenic.

Literature cited by the submitters: PubMed 19940839.